The following is an entry in ClinVar:

NM_001128148.3(TFRC):c.464G>C (p.Arg155Pro)

Gene: TFRC (transferrin receptor; minus strand). Cytogenetic location: 3q29.
Variant type: single nucleotide variant.
Coding change: c.464G>C on transcript NM_001128148.3 (MANE Select); coding-DNA position 464, G replaced by C.
Protein change: p.Arg155Pro; replaces arginine 155 with proline.
Molecular consequence: missense variant. On other transcripts: 5 prime UTR variant (1).
Genome position (GRCh38, 1-based): chr3:196,072,123, C>G on the plus strand (G>C on the coding strand, the complement: TFRC is on the minus strand). VCF-style: chr3-196072123-C-G. GRCh37 (hg19) VCF-style: chr3-195798994-C-G.
Other names: c.221G>C, p.Arg74Pro (NM_001313965.2); c.-383G>C (NM_001313966.2); c.464G>C, p.Arg155Pro (NM_003234.4); short protein forms R74P, R155P.
Identifiers: ClinVar variation 1028098 (VCV001028098.5), dbSNP rs775554571, ClinGen allele CA2778293.

ClinVar aggregate classification (germline): Uncertain significance. Review status: criteria provided, multiple submitters, no conflicts (2 of 4 stars). 2 submissions from 2 submitters: Uncertain significance (2). Last evaluated 2024-06-29.

Conditions:
TFRC-related combined immunodeficiency. Also called: Immunodeficiency 46. Identifiers: Orphanet 476113, MedGen C5568133, MONDO:0014760, OMIM 616740.

Allele frequency attached by ClinVar (database versions not stated): TOPMed 0.00002.
gnomAD v4.1: 6 of 1,613,650 alleles (0.00037%); highest among the groups gnomAD compares: Non-Finnish European, 0.00051%; no homozygotes.

Submissions (2):

Labcorp Genetics (formerly Invitae), Labcorp
Classification: Uncertain significance. Last evaluated: 2024-06-29. Review status: criteria provided, single submitter. Criteria: Invitae Variant Classification Sherloc (09022015). Collection method: clinical testing. Allele origin: germline.
Comment: This sequence change replaces arginine, which is basic and polar, with proline, which is neutral and non-polar, at codon 155 of the TFRC protein (p.Arg155Pro). This variant is present in population databases (rs775554571, gnomAD 0.0009%). This variant has not been reported in the literature in individuals affected with TFRC-related conditions. ClinVar contains an entry for this variant (Variation ID: 1028098). Advanced modeling of protein sequence and biophysical properties (such as structural, functional, and spatial information, amino acid conservation, physicochemical variation, residue mobility, and thermodynamic stability) performed at Invitae indicates that this missense variant is not expected to disrupt TFRC protein function with a negative predictive value of 80%. In summary, the available evidence is currently insufficient to determine the role of this variant in disease. Therefore, it has been classified as a Variant of Uncertain Significance.

Baylor Genetics
Classification: Uncertain significance for TFRC-related combined immunodeficiency. Last evaluated: 2019-08-26. Review status: criteria provided, single submitter. Criteria: ACMG Guidelines, 2015. Collection method: clinical testing. Allele origin: unknown. Affected: yes.
Comment: This variant was determined to be of uncertain significance according to ACMG Guidelines, 2015 [PMID:25741868].